The following is an entry in ClinVar:

ClinVar aggregate classification (germline): Uncertain significance (1 of 4 stars; one submission).

Submission:

Women's Health and Genetics/Laboratory Corporation of America, LabCorp
Classification: Uncertain significance. Last evaluated: 2026-01-09. Review status: criteria provided, single submitter. Criteria: LabCorp Variant Classification Summary - May 2015. Collection method: clinical testing. Allele origin: germline.
Comment: Variant summary: The variant involves the duplication of exons 1-9 in the FAM175A gene. A presumed nomenclature of c.(?_-29)_(*2953_?)dup has been designated for the purposes of this classification. This duplication includes the entire coding sequence of the gene. As exact breakpoints are unknown, it may extend beyond the annotated region of the gene, to include other flanking genes. The variant was absent in 21694 control chromosomes. The available data on variant occurrences in the general population are insufficient to allow any conclusion about variant significance. To our knowledge, no occurrence of c.(?_-29)_(*2953_?)dup in individuals affected with FAM175A-related conditions and no experimental evidence demonstrating its impact on protein function have been reported. ClinVar contains an entry for this variant (Variation ID: 833408). Based on the evidence outlined above, the variant was classified as uncertain significance.

NC_000004.11:g.(?_84380669)_(84406254_?)dup

Genes: ABRAXAS1 (abraxas 1, BRCA1 A complex subunit; minus strand), MRPS18C (mitochondrial ribosomal protein S18C; plus strand). Cytogenetic location: 4q21.23.
Variant type: Duplication.
Identifiers: ClinVar variation 4689519 (VCV004689519.1).